The following is an entry in ClinVar:

ClinVar aggregate classification (germline): Uncertain significance. Review status: criteria provided, multiple submitters, no conflicts (2 of 4 stars). 2 submissions from 2 submitters: Uncertain significance (2). Last evaluated 2020-03-19.

Conditions:
Autosomal dominant childhood-onset proximal spinal muscular atrophy with contractures (SMALED2A). Also called: SPINAL MUSCULAR ATROPHY, LOWER EXTREMITY-PREDOMINANT, 2A, CHILDHOOD ONSET, AUTOSOMAL DOMINANT; Spinal muscular atrophy, lower extremity-predominant, 2A, autosomal dominant. Identifiers: Orphanet 363447, Orphanet 363454, MedGen C4747715, MONDO:0014121, OMIM 615290.

Submissions (2):

Revvity Omics, Revvity
Classification: Uncertain significance. Last evaluated: 2020-03-19. Review status: criteria provided, single submitter. Criteria: ACMG Guidelines, 2015. Collection method: clinical testing. Allele origin: germline.

Labcorp Genetics (formerly Invitae), Labcorp
Classification: Uncertain significance for Autosomal dominant childhood-onset proximal spinal muscular atrophy with contractures. Last evaluated: 2017-10-11. Review status: criteria provided, single submitter. Criteria: Invitae Variant Classification Sherloc (09022015). Collection method: clinical testing. Allele origin: germline.
Comment: This variant has not been reported in the literature in individuals with BICD2-related disease. In summary, the available evidence is currently insufficient to determine the role of this variant in disease. Therefore, it has been classified as a Variant of Uncertain Significance. Algorithms developed to predict the effect of missense changes on protein structure and function (SIFT, PolyPhen-2, Align-GVGD) all suggest that this variant is likely to be disruptive, but these predictions have not been confirmed by published functional studies and their clinical significance is uncertain. This variant is not present in population databases (ExAC no frequency). This sequence change replaces glutamine with arginine at codon 689 of the BICD2 protein (p.Gln689Arg). The glutamine residue is highly conserved and there is a small physicochemical difference between glutamine and arginine.

NM_001003800.2(BICD2):c.2066A>G (p.Gln689Arg)

Gene: BICD2 (BICD cargo adaptor 2; minus strand). Cytogenetic location: 9q22.31.
Variant type: single nucleotide variant.
Coding change: c.2066A>G on transcript NM_001003800.2 (MANE Select); coding-DNA position 2066, A replaced by G.
Protein change: p.Gln689Arg; replaces glutamine 689 with arginine.
Molecular consequence: missense variant.
Genome position (GRCh38, 1-based): chr9:92,718,579, T>C on the plus strand (A>G on the coding strand, the complement: BICD2 is on the minus strand). VCF-style: chr9-92718579-T-C. GRCh37 (hg19) VCF-style: chr9-95480861-T-C.
Other names: c.2066A>G, p.Gln689Arg (NM_015250.4); short protein forms Q689R.
Identifiers: ClinVar variation 474270 (VCV000474270.11), dbSNP rs1554705339, ClinGen allele CA374033942.
Genomic context (GRCh38, chr9:92,718,579, plus strand): 5'-CCTGCTGCCTGGCACCTCACCTGCTTGTTGGCCTTGAGCACAGTGCGCAGCGTGGTGATC[T>C]GCTCCCGCTTGGTGCTGAGCAGCGACTTCAGCTTGAGGATCTCCTCCATAAGCGCTTCCT-3'
Protein context (NP_001003800.1, residues 679-699): LKSLLSTKRE[Gln689Arg]ITTLRTVLKA